The following is an entry in ClinVar:

NM_018297.4(NGLY1):c.14C>A (p.Ala5Glu)

Gene: NGLY1 (N-glycanase 1; minus strand). Cytogenetic location: 3p24.2.
Variant type: single nucleotide variant.
Coding change: c.14C>A on transcript NM_018297.4 (MANE Select); coding-DNA position 14, C replaced by A.
Protein change: p.Ala5Glu; replaces alanine 5 with glutamic acid.
Molecular consequence: missense variant. On other transcripts: intron variant (1).
Genome position (GRCh38, 1-based): chr3:25,783,377, G>T on the plus strand (C>A on the coding strand, the complement: NGLY1 is on the minus strand). VCF-style: chr3-25783377-G-T. GRCh37 (hg19) VCF-style: chr3-25824868-G-T.
Other names: c.14C>A, p.Ala5Glu (NM_001145293.2, NM_001145295.2); c.6-4689C>A (NM_001145294.2); short protein forms A5E.
Identifiers: ClinVar variation 942610 (VCV000942610.10), dbSNP rs779267801, ClinGen allele CA351911414.

ClinVar aggregate classification (germline): Uncertain significance. Review status: criteria provided, multiple submitters, no conflicts (2 of 4 stars). 2 submissions from 2 submitters: Uncertain significance (2). Last evaluated 2025-01-06.

Conditions:
Congenital disorder of deglycosylation (CDDG). Identifiers: MedGen C3808991, MONDO:0031376.

gnomAD v4.1: 120 of 1,541,834 alleles (0.0078%); highest among the groups gnomAD compares: Non-Finnish European, 0.0098%; no homozygotes.

Submissions (2):

Labcorp Genetics (formerly Invitae), Labcorp
Classification: Uncertain significance for Congenital disorder of deglycosylation. Last evaluated: 2025-01-06. Review status: criteria provided, single submitter. Criteria: Invitae Variant Classification Sherloc (09022015). Collection method: clinical testing. Allele origin: germline.
Comment: This sequence change replaces alanine, which is neutral and non-polar, with glutamic acid, which is acidic and polar, at codon 5 of the NGLY1 protein (p.Ala5Glu). This variant is present in population databases (no rsID available, gnomAD 0.004%). This variant has not been reported in the literature in individuals affected with NGLY1-related conditions. ClinVar contains an entry for this variant (Variation ID: 942610). Experimental studies and prediction algorithms are not available or were not evaluated, and the functional significance of this variant is currently unknown. In summary, the available evidence is currently insufficient to determine the role of this variant in disease. Therefore, it has been classified as a Variant of Uncertain Significance.

GeneDx
Classification: Uncertain significance. Last evaluated: 2024-08-07. Review status: criteria provided, single submitter. Criteria: GeneDx Variant Classification Process June 2021. Collection method: clinical testing. Allele origin: germline. Affected: yes.
Comment: Not observed at significant frequency in large population cohorts (gnomAD); In silico analysis supports that this missense variant does not alter protein structure/function; Has not been previously published as pathogenic or benign to our knowledge